The following is an entry in ClinVar:

NM_020320.5(RARS2):c.731T>A (p.Phe244Tyr)

Gene: RARS2 (arginyl-tRNA synthetase 2, mitochondrial; minus strand). Cytogenetic location: 6q15.
Variant type: single nucleotide variant.
Coding change: c.731T>A on transcript NM_020320.5 (MANE Select); coding-DNA position 731, T replaced by A.
Protein change: p.Phe244Tyr; replaces phenylalanine 244 with tyrosine.
Molecular consequence: missense variant. On other transcripts: non-coding transcript variant (23).
Genome position (GRCh38, 1-based): chr6:87,530,824, A>T on the plus strand (T>A on the coding strand, the complement: RARS2 is on the minus strand). VCF-style: chr6-87530824-A-T. GRCh37 (hg19) VCF-style: chr6-88240542-A-T.
Other names: c.206T>A, p.Phe69Tyr (NM_001318785.2, NM_001350506.2, NM_001350507.2 and 4 more transcripts); c.731T>A, p.Phe244Tyr (NM_001350505.2); short protein forms F244Y, F69Y.
Identifiers: ClinVar variation 3708150 (VCV003708150.1).

ClinVar aggregate classification (germline): Uncertain significance (1 of 4 stars; one submission).

gnomAD v4.1: 5 of 1,614,196 alleles (0.00031%); highest among the groups gnomAD compares: Non-Finnish European, 0.00042%; no homozygotes.

Submission:

Labcorp Genetics (formerly Invitae), Labcorp
Classification: Uncertain significance. Last evaluated: 2024-06-13. Review status: criteria provided, single submitter. Criteria: Invitae Variant Classification Sherloc (09022015). Collection method: clinical testing. Allele origin: germline.
Comment: This sequence change replaces phenylalanine, which is neutral and non-polar, with tyrosine, which is neutral and polar, at codon 244 of the RARS2 protein (p.Phe244Tyr). This variant is not present in population databases (gnomAD no frequency). This variant has not been reported in the literature in individuals affected with RARS2-related conditions. Advanced modeling of protein sequence and biophysical properties (such as structural, functional, and spatial information, amino acid conservation, physicochemical variation, residue mobility, and thermodynamic stability) performed at Invitae indicates that this missense variant is not expected to disrupt RARS2 protein function with a negative predictive value of 80%. In summary, the available evidence is currently insufficient to determine the role of this variant in disease. Therefore, it has been classified as a Variant of Uncertain Significance.